The following is an entry in ClinVar:

ClinVar aggregate classification (germline): Uncertain significance (1 of 4 stars; one submission).

Conditions:
Inborn genetic diseases. Identifiers: MedGen C0950123, MeSH D030342.

Allele frequency attached by ClinVar (database versions not stated): gnomAD exomes 0.00001; ExAC 0.00002.
gnomAD v4.1: 11 of 1,569,952 alleles (0.0007%); highest among the groups gnomAD compares: South Asian, 0.0055%; no homozygotes.

Submission:

Ambry Genetics
Classification: Uncertain significance for Inborn genetic diseases. Last evaluated: 2022-02-15. Review status: criteria provided, single submitter. Criteria: Ambry Variant Classification Scheme 2023. Collection method: clinical testing. Allele origin: germline.
Comment: The c.2363+5G>A intronic alteration consists of a G to A substitution nucleotides after coding exon 15 in the SLC12A2 gene. Based on insufficient or conflicting evidence, the clinical significance of this alteration remains unclear.

NM_001046.3(SLC12A2):c.2363+5G>A

Gene: SLC12A2 (solute carrier family 12 member 2; plus strand). Cytogenetic location: 5q23.3.
Variant type: single nucleotide variant.
Coding change: c.2363+5G>A on transcript NM_001046.3 (MANE Select); 5 bases into the intron after coding-DNA position 2363, G replaced by A.
Molecular consequence: intron variant.
Genome position (GRCh38, 1-based): chr5:128,152,810, G>A. VCF-style: chr5-128152810-G-A. GRCh37 (hg19) VCF-style: chr5-127488502-G-A.
Other names: c.2363+5G>A (NM_001256461.2).
Identifiers: ClinVar variation 2270411 (VCV002270411.2), dbSNP rs781036509, ClinGen allele CA3393338.
Genomic context (GRCh38, chr5:128,152,810, plus strand): 5'-GCACTGCAGCATTCAATTCGTCTTTCTGGAGTGGAAGACCACGTGAAAAACTTTAGGTAA[G>A]TGATAAAGAAGGAAACATGGAAGCATTTTCTCTTTGCTGGCCAGTCAGTTCTTATTTTTC-3'